The following is an entry in ClinVar:

NM_000188.3(HK1):c.1480G>A (p.Glu494Lys)

Gene: HK1 (hexokinase 1; plus strand). Cytogenetic location: 10q22.1.
Variant type: single nucleotide variant.
Coding change: c.1480G>A on transcript NM_000188.3 (MANE Select); coding-DNA position 1480, G replaced by A.
Protein change: p.Glu494Lys; replaces glutamic acid 494 with lysine.
Molecular consequence: missense variant.
Genome position (GRCh38, 1-based): chr10:69,382,701, G>A. VCF-style: chr10-69382701-G-A. GRCh37 (hg19) VCF-style: chr10-71142457-G-A.
Other names: c.1492G>A, p.Glu498Lys (NM_001322364.2, NM_001358263.1, NM_033497.3 and 1 more transcripts); c.1585G>A, p.Glu529Lys (NM_001322365.2); c.1396G>A, p.Glu466Lys (NM_001322366.1); c.1384G>A, p.Glu462Lys (NM_001322367.1); c.1477G>A, p.Glu493Lys (NM_033496.3); c.1444G>A, p.Glu482Lys (NM_033500.2); short protein forms E462K, E466K, E482K, E493K, E494K, E498K, E529K.
Identifiers: ClinVar variation 1321932 (VCV001321932.6), dbSNP rs1332719473, ClinGen allele CA376910022.

ClinVar aggregate classification (germline): Uncertain significance. Review status: criteria provided, multiple submitters, no conflicts (2 of 4 stars). 2 submissions from 2 submitters: Uncertain significance (2). Last evaluated 2022-04-22.

Conditions:
Neurodevelopmental disorder. Identifiers: MedGen C1535926, MeSH D065886, MONDO:0700092.

Allele frequency attached by ClinVar (database versions not stated): gnomAD exomes below 0.00001; gnomAD 0.00001; TOPMed 0.00002.
gnomAD v4.1: 3 of 1,613,504 alleles (0.00019%); highest among the groups gnomAD compares: African/African-American, 0.0027%; no homozygotes.

Submissions (2):

Labcorp Genetics (formerly Invitae), Labcorp
Classification: Uncertain significance. Last evaluated: 2022-04-22. Review status: criteria provided, single submitter. Criteria: Invitae Variant Classification Sherloc (09022015). Collection method: clinical testing. Allele origin: germline.
Comment: This variant is not present in population databases (gnomAD no frequency). In summary, the available evidence is currently insufficient to determine the role of this variant in disease. Therefore, it has been classified as a Variant of Uncertain Significance. Algorithms developed to predict the effect of missense changes on protein structure and function are either unavailable or do not agree on the potential impact of this missense change (SIFT: "Deleterious"; PolyPhen-2: "Probably Damaging"; Align-GVGD: "Class C0"). ClinVar contains an entry for this variant (Variation ID: 1321932). This variant has not been reported in the literature in individuals affected with HK1-related conditions. This sequence change replaces glutamic acid, which is acidic and polar, with lysine, which is basic and polar, at codon 494 of the HK1 protein (p.Glu494Lys).

Laboratory of Molecular Genetics (Pr. Bezieau's lab), CHU de Nantes
Classification: Uncertain significance for Neurodevelopmental disorder. Last evaluated: 2021-08-06. Review status: criteria provided, single submitter. Criteria: ACMG Guidelines, 2015. Collection method: clinical testing. Allele origin: germline. Affected: yes.